The following is an entry in ClinVar:

NM_031308.4(EPPK1):c.7170C>T (p.Asn2390=)

Gene: EPPK1 (epiplakin 1; minus strand). Cytogenetic location: 8q24.3.
Variant type: single nucleotide variant.
Coding change: c.7170C>T on transcript NM_031308.4 (MANE Select); coding-DNA position 7170, C replaced by T.
Protein change: p.Asn2390=; no amino-acid change (asparagine 2390 retained).
Molecular consequence: synonymous variant.
Genome position (GRCh38, 1-based): chr8:143,866,084, G>A on the plus strand (C>T on the coding strand, the complement: EPPK1 is on the minus strand). VCF-style: chr8-143866084-G-A.
Identifiers: ClinVar variation 3061481 (VCV003061481.1), dbSNP rs2539008878, ClinGen allele CA848823981.

ClinVar aggregate classification (germline): Likely benign (1 of 4 stars; one submission).

Conditions:
EPPK1-related disorder. Also called: EPPK1-related condition.

Submission:

PreventionGenetics, part of Exact Sciences
Classification: Likely benign for EPPK1-related condition. Last evaluated: 2022-02-04. Review status: criteria provided, single submitter. Criteria: ACMG Guidelines, 2015. Collection method: clinical testing. Allele origin: germline.
Comment: This variant is classified as likely benign based on ACMG/AMP sequence variant interpretation guidelines (Richards et al. 2015 PMID: 25741868, with internal and published modifications).